The following is an entry in ClinVar:

NM_005732.4(RAD50):c.2654A>G (p.Gln885Arg)

Gene: RAD50 (RAD50 double strand break repair protein; plus strand). Cytogenetic location: 5q31.1.
Variant type: single nucleotide variant.
Coding change: c.2654A>G on transcript NM_005732.4 (MANE Select); coding-DNA position 2654, A replaced by G.
Protein change: p.Gln885Arg; replaces glutamine 885 with arginine.
Molecular consequence: missense variant.
Genome position (GRCh38, 1-based): chr5:132,604,935, A>G. VCF-style: chr5-132604935-A-G. GRCh37 (hg19) VCF-style: chr5-131940627-A-G.
Other names: c.2654A>G (NM_005732.3); short protein forms Q885R.
Identifiers: ClinVar variation 998621 (VCV000998621.10), dbSNP rs1750957514, ClinGen allele CA360956742.
Genomic context (GRCh38, chr5:132,604,935, plus strand): 5'-GTACAACAAATGAGCTAAAATCTGAGAAACTTCAGATATCCACTAATTTGCAACGTCGTC[A>G]GCAACTGGAGGAGCAGACTGTGGAATTATCCACTGAAGTTCAGTCTTTGTACAGAGAGAT-3'
Protein context (NP_005723.2, residues 875-895): LQISTNLQRR[Gln885Arg]QLEEQTVELS

ClinVar aggregate classification (germline): Uncertain significance. Review status: criteria provided, multiple submitters, no conflicts (2 of 4 stars). 2 submissions from 2 submitters: Uncertain significance (2). Last evaluated 2025-06-09.

Conditions:
Hereditary cancer-predisposing syndrome. Also called: Neoplastic Syndromes, Hereditary; Tumor predisposition; Hereditary Cancer Syndrome; Hereditary neoplastic syndrome. Identifiers: Orphanet 140162, MedGen C0027672, MeSH D009386, MONDO:0015356.

Submissions (2):

Labcorp Genetics (formerly Invitae), Labcorp
Classification: Uncertain significance for Hereditary cancer-predisposing syndrome. Last evaluated: 2025-06-09. Review status: criteria provided, single submitter. Criteria: Invitae Variant Classification Sherloc (09022015). Collection method: clinical testing. Allele origin: germline.
Comment: This sequence change replaces glutamine, which is neutral and polar, with arginine, which is basic and polar, at codon 885 of the RAD50 protein (p.Gln885Arg). This variant is not present in population databases (gnomAD no frequency). This variant has not been reported in the literature in individuals affected with RAD50-related conditions. ClinVar contains an entry for this variant (Variation ID: 998621). Invitae Evidence Modeling of protein sequence and biophysical properties (such as structural, functional, and spatial information, amino acid conservation, physicochemical variation, residue mobility, and thermodynamic stability) indicates that this missense variant is not expected to disrupt RAD50 protein function with a negative predictive value of 80%. In summary, the available evidence is currently insufficient to determine the role of this variant in disease. Therefore, it has been classified as a Variant of Uncertain Significance.

Ambry Genetics
Classification: Uncertain significance for Hereditary cancer-predisposing syndrome. Last evaluated: 2023-06-10. Review status: criteria provided, single submitter. Criteria: Ambry Variant Classification Scheme 2023. Collection method: clinical testing. Allele origin: germline.
Comment: The p.Q885R variant (also known as c.2654A>G), located in coding exon 16 of the RAD50 gene, results from an A to G substitution at nucleotide position 2654. The glutamine at codon 885 is replaced by arginine, an amino acid with highly similar properties. This amino acid position is conserved. In addition, this alteration is predicted to be tolerated by in silico analysis. Since supporting evidence is limited at this time, the clinical significance of this alteration remains unclear.